The following is an entry in ClinVar:

ClinVar aggregate classification (germline): Uncertain significance (1 of 4 stars; one submission).

Conditions:
Arrhythmogenic cardiomyopathy with wooly hair and keratoderma. Also called: Carvajal syndrome; PALMOPLANTAR KERATODERMA WITH LEFT VENTRICULAR CARDIOMYOPATHY AND WOOLLY HAIR; Dilated cardiomyopathy with woolly hair and keratoderma; Arrhythmogenic cardiomyopathy with woolly hair and keratoderma. Identifiers: Orphanet 65282, MedGen C1854063, MONDO:0011581, OMIM 605676.

gnomAD v4.1: 2 of 1,614,166 alleles (0.00012%); highest among the groups gnomAD compares: Non-Finnish European, 0.00017%; no homozygotes.

Submission:

All of Us Research Program, National Institutes of Health
Classification: Uncertain significance for Arrhythmogenic cardiomyopathy with wooly hair and keratoderma. Last evaluated: 2024-07-29. Review status: criteria provided, single submitter. Criteria: ACMG Guidelines, 2015. Collection method: clinical testing. Allele origin: germline. Inheritance: Autosomal dominant inheritance. Observed: 1 variant allele, 1 heterozygote.
Comment: This missense variant replaces asparagine with aspartic acid at codon 1215 of the DSP protein. Computational prediction suggests that this variant may not impact protein structure and function (internally defined REVEL score threshold <= 0.5, PMID: 27666373). To our knowledge, functional studies have not been reported for this variant. This variant has not been reported in individuals affected with DSP-related disorders in the literature. This variant has not been identified in the general population by the Genome Aggregation Database (gnomAD). The available evidence is insufficient to determine the role of this variant in disease conclusively. Therefore, this variant is classified as a Variant of Uncertain Significance.

This study involves interpretation of variants in research participants for the purpose of population health screening. Participant phenotype was not available at the time of variant classification. Additional details can be found in publication PMID: 35346344, PMCID: PMC8962531

NM_004415.4(DSP):c.3643A>G (p.Asn1215Asp)

Gene: DSP (desmoplakin; plus strand). Cytogenetic location: 6p24.3.
Variant type: single nucleotide variant.
Coding change: c.3643A>G on transcript NM_004415.4 (MANE Select); coding-DNA position 3643, A replaced by G.
Protein change: p.Asn1215Asp; replaces asparagine 1215 with aspartic acid.
Molecular consequence: missense variant. On other transcripts: intron variant (1).
Genome position (GRCh38, 1-based): chr6:7,579,833, A>G. VCF-style: chr6-7579833-A-G. GRCh37 (hg19) VCF-style: chr6-7580066-A-G.
Other names: c.3643A>G, p.Asn1215Asp (NM_001319034.2); c.3582+61A>G (NM_001008844.3); short protein forms N1215D.
Identifiers: ClinVar variation 3386665 (VCV003386665.1).